The following is an entry in ClinVar:

ClinVar aggregate classification (germline): Uncertain significance (1 of 4 stars; one submission).

Allele frequency attached by ClinVar (database versions not stated): gnomAD exomes below 0.00001; ExAC 0.00003.
gnomAD v4.1: 5 of 1,613,940 alleles (0.00031%); highest among the groups gnomAD compares: South Asian, 0.0011%; no homozygotes.

Submission:

Ambry Genetics
Classification: Uncertain significance. Last evaluated: 2021-10-19. Review status: criteria provided, single submitter. Criteria: Ambry Variant Classification Scheme 2023. Collection method: clinical testing. Allele origin: germline.
Comment: The p.M2299V variant (also known as c.6895A>G), located in coding exon 24 of the POLQ gene, results from an A to G substitution at nucleotide position 6895. The methionine at codon 2299 is replaced by valine, an amino acid with highly similar properties. This amino acid position is conserved. In addition, this alteration is predicted to be tolerated by in silico analysis. Since supporting evidence is limited at this time, the clinical significance of this alteration remains unclear.

NM_199420.4(POLQ):c.6895A>G (p.Met2299Val)

Gene: POLQ (DNA polymerase theta; minus strand). Cytogenetic location: 3q13.33.
Variant type: single nucleotide variant.
Coding change: c.6895A>G on transcript NM_199420.4 (MANE Select); coding-DNA position 6895, A replaced by G.
Protein change: p.Met2299Val; replaces methionine 2299 with valine.
Molecular consequence: missense variant.
Genome position (GRCh38, 1-based): chr3:121,467,591, T>C on the plus strand (A>G on the coding strand, the complement: POLQ is on the minus strand). VCF-style: chr3-121467591-T-C. GRCh37 (hg19) VCF-style: chr3-121186438-T-C.
Other names: short protein forms M2299V.
Identifiers: ClinVar variation 1756010 (VCV001756010.2), dbSNP rs780948477, ClinGen allele CA2562324.
Genomic context (GRCh38, chr3:121,467,591, plus strand): 5'-CAAAGGCATGTCGCATGCTAATTGAAAATGGCATTCCTCTGTCTGCAGCTCTCTCCTCCA[T>C]CTGTGCCTGGCATCTAGGATTCACGCTGAAACCCTTCTTATATTTTCCTCTGTGGTGCAA-3'
Protein context (NP_955452.3, residues 2289-2309): FSVNPRCQAQ[Met2299Val]EERAADRGMP